The following is an entry in ClinVar:

NM_022356.4(P3H1):c.747del (p.Tyr250fs)

Gene: P3H1 (prolyl 3-hydroxylase 1; minus strand). Cytogenetic location: 1p34.2.
Variant type: Deletion.
Coding change: c.747del on transcript NM_022356.4 (MANE Select); coding-DNA position 747, one base deleted (C; older notation c.747delC).
Protein change: p.Tyr250fs; shifts the reading frame from tyrosine 250.
Molecular consequence: frameshift variant.
Genome position (GRCh38, 1-based): chr1:42,759,262, G deleted on the plus strand (C on the coding strand, the reverse complement: P3H1 is on the minus strand); the first of 3 consecutive G bases (chr1:42,759,262-42,759,264); deleting any one gives the same sequence. VCF-style (leftmost placement, unchanged base first): chr1-42759261-AG-A. GRCh37 (hg19) VCF-style: chr1-43224932-AG-A.
Other names: P3H1, 1-BP DEL, 747C; c.747del, p.Tyr250fs (NM_001146289.2, NM_001243246.2); short protein forms Y250fs.
Identifiers: ClinVar variation 1255 (VCV000001255.3), dbSNP rs72659348, ClinGen allele CA212758.

ClinVar aggregate classification (germline): Pathogenic. Review status: criteria provided, single submitter (1 of 4 stars). 2 submissions from 2 submitters: Pathogenic (1). 1 of the submissions does not count toward it. Last evaluated 2024-11-05.

Conditions:
Osteogenesis imperfecta type 8 (OI8). Identifiers: MedGen C1970458, MONDO:0012581, OMIM 610915.

Submissions (2):

Labcorp Genetics (formerly Invitae), Labcorp
Classification: Pathogenic for Osteogenesis imperfecta type 8. Last evaluated: 2024-11-05. Review status: criteria provided, single submitter. Criteria: Invitae Variant Classification Sherloc (09022015). Collection method: clinical testing. Allele origin: germline.
Comment: This sequence change creates a premature translational stop signal (p.Tyr250Metfs*87) in the P3H1 gene. It is expected to result in an absent or disrupted protein product. Loss-of-function variants in P3H1 are known to be pathogenic (PMID: 17277775, 18566967, 19088120, 22281939). This variant is present in population databases (rs72659348, gnomAD 0.002%). This premature translational stop signal has been observed in individual(s) with osteogenesis imperfecta (PMID: 17277775). ClinVar contains an entry for this variant (Variation ID: 1255). For these reasons, this variant has been classified as Pathogenic.

OMIM
Classification: Pathogenic for OSTEOGENESIS IMPERFECTA, TYPE VIII. Last evaluated: 2007-03-01. Review status: no assertion criteria provided. Collection method: literature only. Allele origin: germline. Not counted in ClinVar's aggregate classification.

Literature cited by the submitters: PubMed 17277775 (cited by Labcorp Genetics (formerly Invitae), Labcorp and OMIM); PubMed 18566967 (cited by Labcorp Genetics (formerly Invitae), Labcorp); PubMed 19088120 (cited by Labcorp Genetics (formerly Invitae), Labcorp); PubMed 22281939 (cited by Labcorp Genetics (formerly Invitae), Labcorp).